The following is an entry in ClinVar:

ClinVar aggregate classification (germline): Conflicting classifications of pathogenicity. Review status: criteria provided, conflicting classifications (1 of 4 stars). 3 submissions from 3 submitters: Uncertain significance (2); Likely benign (1). Last evaluated 2025-11-01.

Conditions:
Cardiovascular phenotype. Identifiers: MedGen CN230736.

Submissions (3):

CeGaT Center for Human Genetics Tuebingen
Classification: Likely benign. Last evaluated: 2025-11-01. Review status: criteria provided, single submitter. Criteria: CeGaT Center For Human Genetics Tuebingen Variant Classification Criteria Version 2. Collection method: clinical testing. Allele origin: germline. Affected: yes. Observed: 1 variant allele.
Comment: TNXB: BP4

GeneDx
Classification: Uncertain significance. Last evaluated: 2023-09-22. Review status: criteria provided, single submitter. Criteria: GeneDx Variant Classification Process June 2021. Collection method: clinical testing. Allele origin: germline. Affected: yes.
Comment: In silico analysis supports that this missense variant does not alter protein structure/function; Has not been previously published as pathogenic or benign to our knowledge

Ambry Genetics
Classification: Uncertain significance for Cardiovascular phenotype. Last evaluated: 2022-12-19. Review status: criteria provided, single submitter. Criteria: Ambry Variant Classification Scheme 2023. Collection method: clinical testing. Allele origin: germline.

NM_001365276.2(TNXB):c.11345G>A (p.Arg3782Gln)

Genes: TNXB (tenascin XB; minus strand), LOC106780803 (tenascin XB recombination region; plus strand). Cytogenetic location: 6p21.33.
Variant type: single nucleotide variant.
Coding change: c.11345G>A on transcript NM_001365276.2 (MANE Select); coding-DNA position 11345, G replaced by A.
Protein change: p.Arg3782Gln; replaces arginine 3782 with glutamine.
Molecular consequence: missense variant.
Genome position (GRCh38, 1-based): chr6:32,044,048, C>T on the plus strand (G>A on the coding strand, the complement: TNXB is on the minus strand). VCF-style: chr6-32044048-C-T. GRCh37 (hg19) VCF-style: chr6-32011825-C-T.
Other names: c.11339G>A, p.Arg3780Gln (NM_019105.8); c.632G>A, p.Arg211Gln (NM_032470.4); short protein forms R211Q, R3780Q, R3782Q.
Identifiers: ClinVar variation 2397775 (VCV002397775.9), dbSNP rs542870641, ClinGen allele CA3733073.